The following is an entry in ClinVar:

ClinVar aggregate classification (germline): Uncertain significance. Review status: criteria provided, single submitter (1 of 4 stars). 2 submissions from 2 submitters: Uncertain significance (1). 1 of the submissions does not count toward it. Last evaluated 2019-08-22.

Conditions:
TBL1XR1-related disorder. Also called: TBL1XR1-related condition; TBL1XR1-related disorders. Identifiers: MedGen CN382633, MONDO:1060313.
Pierpont syndrome (PRPTS). Identifiers: Orphanet 487825, MedGen C1865644, MONDO:0011213, OMIM 602342.

Submissions (2):

Labcorp Genetics (formerly Invitae), Labcorp
Classification: Uncertain significance for Pierpont syndrome. Last evaluated: 2019-08-22. Review status: criteria provided, single submitter. Criteria: Invitae Variant Classification Sherloc (09022015). Collection method: clinical testing. Allele origin: germline.
Comment: This sequence change replaces phenylalanine with leucine at codon 10 of the TBL1XR1 protein (p.Phe10Leu). The phenylalanine residue is highly conserved and there is a small physicochemical difference between phenylalanine and leucine. This variant is not present in population databases (ExAC no frequency). This missense change has been observed in an individual affected with schizophrenia (PMID: 28588275). This variant has been reported to affect TBL1XR1 protein function (PMID: 28588275). In summary, the available evidence is currently insufficient to determine the role of this variant in disease. Therefore, it has been classified as a Variant of Uncertain Significance.

PreventionGenetics, part of Exact Sciences
Classification: Uncertain significance for TBL1XR1-related condition. Last evaluated: 2024-02-07. Review status: no assertion criteria provided. Collection method: clinical testing. Allele origin: germline. Not counted in ClinVar's aggregate classification.
Comment: The TBL1XR1 c.28T>C variant is predicted to result in the amino acid substitution p.Phe10Leu. To our knowledge, this variant has not been reported in the literature or in a large population database, indicating this variant is rare. At this time, the clinical significance of this variant is uncertain due to the absence of conclusive functional and genetic evidence.

Literature cited by the submitters: PubMed 28588275 (cited by Labcorp Genetics (formerly Invitae), Labcorp).

NM_024665.7(TBL1XR1):c.28T>C (p.Phe10Leu)

Gene: TBL1XR1 (TBL1X/Y related 1; minus strand). Cytogenetic location: 3q26.32.
Variant type: single nucleotide variant.
Coding change: c.28T>C on transcript NM_024665.7 (MANE Select); coding-DNA position 28, T replaced by C.
Protein change: p.Phe10Leu; replaces phenylalanine 10 with leucine.
Molecular consequence: missense variant. On other transcripts: intron variant (2).
Genome position (GRCh38, 1-based): chr3:177,064,950, A>G on the plus strand (T>C on the coding strand, the complement: TBL1XR1 is on the minus strand). VCF-style: chr3-177064950-A-G. GRCh37 (hg19) VCF-style: chr3-176782738-A-G.
Other names: c.28T>C, p.Phe10Leu (NM_001321193.3, NM_001321194.3, NM_001374327.1 and 2 more transcripts); c.-203-11032T>C (NM_001374330.1, NM_001321195.3); c.28T>C (NM_024665.5); short protein forms F10L.
Identifiers: ClinVar variation 940428 (VCV000940428.11), dbSNP rs1718967303, ClinGen allele CA355555067.